The following is an entry in ClinVar:

NC_000016.10:g.(?_23603449)_(23603679_?)del

Gene: PALB2 (partner and localizer of BRCA2; minus strand). Cytogenetic location: 16p12.2.
Variant type: Deletion.
Identifiers: ClinVar variation 584362 (VCV000584362.4).

ClinVar aggregate classification (germline): Pathogenic (1 of 4 stars; one submission).

Conditions:
Familial cancer of breast. Also called: Hereditary breast cancer; hereditary breast carcinoma; BREAST CANCER, FAMILIAL. Identifiers: Orphanet 227535, MedGen C0346153, MONDO:0016419, OMIM 114480. Disease mechanism: loss of function.

Submission:

Labcorp Genetics (formerly Invitae), Labcorp
Classification: Pathogenic for Hereditary Breast Carcinoma. Last evaluated: 2019-07-05. Review status: criteria provided, single submitter. Criteria: Invitae Variant Classification Sherloc (09022015). Collection method: clinical testing. Allele origin: germline.
Comment: This variant is a gross deletion of the genomic region encompassing the last exon of the PALB2 gene. The 5' boundary is likely confined to intron 12. The 3' end of this event is unknown as it extends through the termination codon beyond the assayed region for this gene and may encompass additional genes. While this deletion is not anticipated to result in nonsense mediated decay, it is expected to create a truncated PALB2 protein. Loss-of-function variants and gross deletions in PALB2 are known to be pathogenic. A deletion of exon 13 has been reported in the literature in an individual with breast cancer (PMID: 25099575). Exon 13 encodes two WD40-like repeat motifs in the PALB2 gene. WD40 motifs are required for interaction with the BRCA2 protein (PMID: 16793542, 19609323). In vitro experiments have shown that loss of either of the two WD40 repeats encoded by exon 13 affects PALB2-BRCA2 interaction (PMID: 19423707). This exonic deletion is likely to truncate the PALB2 protein and abolish its DNA repair function. For these reasons, this variant has been classified as Pathogenic.

Literature cited by the submitters: PubMed 19423707; PubMed 16793542; PubMed 25099575; PubMed 19609323.